The following is an entry in ClinVar:

NM_001348323.3(TRIP12):c.989C>T (p.Ser330Leu)

Gene: TRIP12 (thyroid hormone receptor interactor 12; minus strand). Cytogenetic location: 2q36.3.
Variant type: single nucleotide variant.
Coding change: c.989C>T on transcript NM_001348323.3 (MANE Select); coding-DNA position 989, C replaced by T.
Protein change: p.Ser330Leu; replaces serine 330 with leucine.
Molecular consequence: missense variant. On other transcripts: intron variant (1).
Genome position (GRCh38, 1-based): chr2:229,858,810, G>A on the plus strand (C>T on the coding strand, the complement: TRIP12 is on the minus strand). VCF-style: chr2-229858810-G-A. GRCh37 (hg19) VCF-style: chr2-230723526-G-A.
Other names: c.989C>T, p.Ser330Leu (NM_001284214.2, NM_001348315.2, NM_001348319.1 and 13 more transcripts); c.863C>T, p.Ser288Leu (NM_001284215.2, NM_001348316.2, NM_001348317.1 and 3 more transcripts); c.902C>T, p.Ser301Leu (NM_001348332.1, NM_001348334.1); c.98+21172C>T (NM_001284216.2); short protein forms S288L, S301L, S330L.
Identifiers: ClinVar variation 1028710 (VCV001028710.1), dbSNP rs779389307, ClinGen allele CA2153410.

ClinVar aggregate classification (germline): Uncertain significance (1 of 4 stars; one submission).

Conditions:
Clark-Baraitser syndrome. Also called: BARAITSER SYNDROME; Mental retardation, tall stature, obesity, macrocephaly and typical facial features; Intellectual disability, autosomal dominant 49; MENTAL RETARDATION, AUTOSOMAL DOMINANT 49. Identifiers: Orphanet 600731, MedGen C2931130, MONDO:0030914, OMIM 617752.

Allele frequency attached by ClinVar (database versions not stated): gnomAD exomes below 0.00001 and 0.00003; TOPMed 0.00001; gnomAD 0.00002; ExAC 0.00002.
gnomAD v4.1: 48 of 1,604,966 alleles (0.003%); highest among the groups gnomAD compares: Non-Finnish European, 0.0039%; no homozygotes.

Submission:

Baylor Genetics
Classification: Uncertain significance for Clark-Baraitser syndrome. Last evaluated: 2019-01-15. Review status: criteria provided, single submitter. Criteria: ACMG Guidelines, 2015. Collection method: clinical testing. Allele origin: unknown. Affected: yes.
Comment: This variant was determined to be of uncertain significance according to ACMG Guidelines, 2015 [PMID:25741868].